The following is an entry in ClinVar:

ClinVar aggregate classification (germline): Uncertain significance (1 of 4 stars; one submission).

Submission:

Labcorp Genetics (formerly Invitae), Labcorp
Classification: Uncertain significance. Last evaluated: 2025-01-28. Review status: criteria provided, single submitter. Criteria: Invitae Variant Classification Sherloc (09022015). Collection method: clinical testing. Allele origin: germline.
Comment: This variant, c.6149_6151del, results in the deletion of 1 amino acid(s) of the POLE protein (p.Phe2050del), but otherwise preserves the integrity of the reading frame. This variant is not present in population databases (gnomAD no frequency). This variant has not been reported in the literature in individuals affected with POLE-related conditions. Experimental studies and prediction algorithms are not available or were not evaluated, and the functional significance of this variant is currently unknown. In summary, the available evidence is currently insufficient to determine the role of this variant in disease. Therefore, it has been classified as a Variant of Uncertain Significance.

NM_006231.4(POLE):c.6149_6151del (p.Phe2050del)

Gene: POLE (DNA polymerase epsilon, catalytic subunit; minus strand). Cytogenetic location: 12q24.33.
Variant type: Deletion.
Coding change: c.6149_6151del on transcript NM_006231.4 (MANE Select); coding-DNA positions 6149 to 6151, 3 bases deleted (TCT; older notation c.6149_6151delTCT).
Protein change: p.Phe2050del; deletes phenylalanine 2050.
Genome position (GRCh38, 1-based): chr12:132,632,494-132,632,496, AGA deleted on the plus strand (TCT on the coding strand, the reverse complement: POLE is on the minus strand); deleting any 3 consecutive bases within chr12:132,632,494-132,632,498 gives the same sequence; the c. name uses the placement nearest the transcript's 3' end. VCF-style (leftmost placement, unchanged base first): chr12-132632493-GAGA-G. GRCh37 (hg19) VCF-style: chr12-133209079-GAGA-G.
Other names: short protein forms F2050del.
Identifiers: ClinVar variation 3729699 (VCV003729699.2).